The following is an entry in ClinVar:

NM_000256.3(MYBPC3):c.779T>C (p.Met260Thr)

Gene: MYBPC3 (myosin binding protein C3; minus strand). Cytogenetic location: 11p11.2.
Variant type: single nucleotide variant.
Coding change: c.779T>C on transcript NM_000256.3 (MANE Select); coding-DNA position 779, T replaced by C.
Protein change: p.Met260Thr; replaces methionine 260 with threonine.
Molecular consequence: missense variant.
Genome position (GRCh38, 1-based): chr11:47,347,899, A>G on the plus strand (T>C on the coding strand, the complement: MYBPC3 is on the minus strand). VCF-style: chr11-47347899-A-G. GRCh37 (hg19) VCF-style: chr11-47369450-A-G.
Other names: short protein forms M260T.
Identifiers: ClinVar variation 925888 (VCV000925888.4), dbSNP rs1173563116, ClinGen allele CA380333974.
Genomic context (GRCh38, chr11:47,347,899, plus strand): 5'-CTGAGGATGGCCACTCACGTGCGGCGGAAGGCTGATAGGAGGTCCAGGTCTCCGGTGCCC[A>G]TGGCCTCTGGGTTCAAAGGGTGGAGAGATGGGGGAAGGGGCTTCAGAGGGGGCCGTTTGA-3'
Protein context (NP_000247.2, residues 250-270): SNFNLTVHEA[Met260Thr]GTGDLDLLSA

ClinVar aggregate classification (germline): Uncertain significance (1 of 4 stars; one submission).

Conditions:
Cardiomyopathy (CMYO). Also called: Cardiomyopathies. Identifiers: Orphanet 167848, MedGen C0878544, MONDO:0004994, HP:0001638. Inheritance: Various modes of inheritance.

Submission:

Color Diagnostics, LLC DBA Color Health
Classification: Uncertain significance for Cardiomyopathy. Last evaluated: 2024-03-07. Review status: criteria provided, single submitter. Criteria: ACMG Guidelines, 2015. Collection method: clinical testing. Allele origin: germline.
Comment: This missense variant replaces methionine with threonine at codon 260 of the MYBPC3 protein. Computational prediction suggests that this variant may not impact protein structure and function (internally defined REVEL score threshold <= 0.5, PMID: 27666373). Splice site prediction tools suggest that this variant may not impact RNA splicing. To our knowledge, functional studies have not been reported for this variant. This variant has not been reported in individuals affected with cardiovascular disorders in the literature. This variant has not been identified in the general population by the Genome Aggregation Database (gnomAD). The available evidence is insufficient to determine the role of this variant in disease conclusively. Therefore, this variant is classified as a Variant of Uncertain Significance.